The following is an entry in ClinVar:

NM_005660.3(SLC35A2):c.1163+54del

Gene: SLC35A2 (solute carrier family 35 member A2; minus strand). Cytogenetic location: Xp11.23.
Variant type: Deletion.
Coding change: c.1163+54del on transcript NM_005660.3 (MANE Select); 54 bases into the intron after coding-DNA position 1163, one base deleted (G; older notation c.1163+54delG).
Molecular consequence: intron variant. On other transcripts: frameshift variant (2), 3 prime UTR variant (4).
Genome position (GRCh38, 1-based): chrX:48,904,692, C deleted on the plus strand (G on the coding strand, the reverse complement: SLC35A2 is on the minus strand); the first of 5 consecutive C bases (chrX:48,904,692-48,904,696); deleting any one gives the same sequence. VCF-style (leftmost placement, unchanged base first): chrX-48904691-TC-T. GRCh37 (hg19) VCF-style: chrX-48761968-TC-T.
Other names: c.627del, p.Thr210fs (NM_001032289.3); c.*35del (NM_001042498.3, NM_001282649.2, NM_001282650.2 and 1 more transcripts); c.555del, p.Thr186fs (NM_001282648.2); c.573+54del (NM_001282647.2); short protein forms T186fs, T210fs.
Identifiers: ClinVar variation 2429213 (VCV002429213.3), dbSNP rs782316882, ClinGen allele CA10406034.
Genomic context (GRCh38, chrX:48,904,691, plus strand): 5'-AGCCAGGCCCCGGAGGGTGGCGACTTGGGTCCTGCAGATGCCCAACACCCTCCACCCCAG[TC>T]CCCCTCCCTTGTGTCCCCCCATTGCTGCCAGCCCTCACTTCACCAGCACTGACTTTGGCA-3'

ClinVar aggregate classification (germline): Uncertain significance (1 of 4 stars; one submission).

Submission:

Women's Health and Genetics/Laboratory Corporation of America, LabCorp
Classification: Uncertain significance. Last evaluated: 2023-01-31. Review status: criteria provided, single submitter. Criteria: LabCorp Variant Classification Summary - May 2015. Collection method: clinical testing. Allele origin: germline.
Comment: Variant summary: SLC35A2 c.1163+54delG is located at a position not widely known to affect splicing. 4/4 computational tools predict no significant impact on normal splicing. However, these predictions have yet to be confirmed by functional studies. This variant is also annotated in alternate transcripts for this gene as NM_001032289.3:c.627delG in the last exon (exon 4) and as NM_001042498.3:c.*35delG in the downstream 3' untranslated region (UTR). To our knowledge truncations downstream of exon 4 in the transcript NM_001032289.3 have not been reported in individuals affected with SLC35A2-Congenital Disorder Of Glycosylation. The variant allele was found at a frequency of 1.1e-05 in 179919 control chromosomes in gnomAD exomes and 0.93e-05 in 21356 control chromosomes in gnomAD exomes plus genomes. The available data on variant occurrences in the general population are insufficient to allow any conclusion about variant significance. To our knowledge, no occurrence of c.1163+54delG or alternate annotations of this variant, in individuals affected with SLC35A2-Congenital Disorder Of Glycosylation and no experimental evidence demonstrating its impact on protein function have been reported. No clinical diagnostic laboratories have submitted clinical-significance assessments for this variant to ClinVar after 2014. Based on the evidence outlined above, the variant was classified as uncertain significance.